The following is an entry in ClinVar:

NM_004370.6(COL12A1):c.3565+1G>A

Gene: COL12A1 (collagen type XII alpha 1 chain; minus strand). Cytogenetic location: 6q13.
Variant type: single nucleotide variant.
Coding change: c.3565+1G>A on transcript NM_004370.6 (MANE Select); the canonical splice donor site of the intron after coding-DNA position 3565, G replaced by A.
Molecular consequence: splice donor variant. On other transcripts: intron variant (2).
Genome position (GRCh38, 1-based): chr6:75,154,415, C>T on the plus strand (G>A on the coding strand, the complement: COL12A1 is on the minus strand). VCF-style: chr6-75154415-C-T. GRCh37 (hg19) VCF-style: chr6-75864131-C-T.
Other names: c.74-1933G>A (NM_001424116.1, NM_080645.3); c.3292+1G>A (NM_001424115.1); c.3565+1G>A (NM_001424114.1, NM_001424113.1).
Identifiers: ClinVar variation 2951038 (VCV002951038.3), dbSNP rs2533412591, ClinGen allele CA364751082.

ClinVar aggregate classification (germline): Uncertain significance (1 of 4 stars; one submission).

Conditions:
Ullrich congenital muscular dystrophy 2 (UCMD2). Identifiers: Orphanet 75840, MedGen C4225314, MONDO:0014654, OMIM 616470.
Bethlem myopathy 2 (BTHLM2). Identifiers: Orphanet 536516, Orphanet 610, MedGen C4225313, MONDO:0034022, OMIM 616471.

Allele frequency attached by ClinVar (database versions not stated): gnomAD exomes below 0.00001.
gnomAD v4.1: 1 of 1,610,072 alleles (0.000062%); highest among the groups gnomAD compares: Non-Finnish European, 0.000085%; no homozygotes.

Submission:

Labcorp Genetics (formerly Invitae), Labcorp
Classification: Uncertain significance for Bethlem myopathy 2; Ullrich congenital muscular dystrophy 2. Last evaluated: 2023-08-16. Review status: criteria provided, single submitter. Criteria: Invitae Variant Classification Sherloc (09022015). Collection method: clinical testing. Allele origin: germline.
Comment: This variant has not been reported in the literature in individuals affected with COL12A1-related conditions. This variant is not present in population databases (gnomAD no frequency). This sequence change affects a donor splice site in intron 17 of the COL12A1 gene. Multiple COL12A1 isoforms have been reported, and the functional impact of this variant is uncertain (PMID: 8601036). Variants that disrupt the consensus splice site are a relatively common cause of aberrant splicing (PMID: 17576681, 9536098). Algorithms developed to predict the effect of sequence changes on RNA splicing suggest that this variant may disrupt the consensus splice site. In summary, the available evidence is currently insufficient to determine the role of this variant in disease. Therefore, it has been classified as a Variant of Uncertain Significance.

Literature cited by the submitters: PubMed 8601036; PubMed 17576681; PubMed 9536098.